The following is an entry in ClinVar:

ClinVar aggregate classification (germline): Uncertain significance (1 of 4 stars; one submission).

Allele frequency attached by ClinVar (database versions not stated): gnomAD 0.00001; gnomAD exomes 0.00002; TOPMed 0.00003.
gnomAD v4.1: 30 of 1,605,878 alleles (0.0019%); highest among the groups gnomAD compares: Non-Finnish European, 0.0024%; no homozygotes.

Submission:

Labcorp Genetics (formerly Invitae), Labcorp
Classification: Uncertain significance. Last evaluated: 2023-12-11. Review status: criteria provided, single submitter. Criteria: Invitae Variant Classification Sherloc (09022015). Collection method: clinical testing. Allele origin: germline.
Comment: This sequence change replaces serine, which is neutral and polar, with arginine, which is basic and polar, at codon 1335 of the WDR62 protein (p.Ser1335Arg). This variant is present in population databases (rs754293029, gnomAD 0.006%). This variant has not been reported in the literature in individuals affected with WDR62-related conditions. ClinVar contains an entry for this variant (Variation ID: 1058340). Advanced modeling of protein sequence and biophysical properties (such as structural, functional, and spatial information, amino acid conservation, physicochemical variation, residue mobility, and thermodynamic stability) performed at Invitae indicates that this missense variant is not expected to disrupt WDR62 protein function with a negative predictive value of 95%. In summary, the available evidence is currently insufficient to determine the role of this variant in disease. Therefore, it has been classified as a Variant of Uncertain Significance.

NM_001083961.2(WDR62):c.4003A>C (p.Ser1335Arg)

Gene: WDR62 (WD repeat domain 62; plus strand). Cytogenetic location: 19q13.12.
Variant type: single nucleotide variant.
Coding change: c.4003A>C on transcript NM_001083961.2 (MANE Select); coding-DNA position 4003, A replaced by C.
Protein change: p.Ser1335Arg; replaces serine 1335 with arginine.
Molecular consequence: missense variant.
Genome position (GRCh38, 1-based): chr19:36,103,831, A>C. VCF-style: chr19-36103831-A-C. GRCh37 (hg19) VCF-style: chr19-36594733-A-C.
Other names: c.3988A>C, p.Ser1330Arg (NM_173636.5); short protein forms S1330R, S1335R.
Identifiers: ClinVar variation 1058340 (VCV001058340.5), dbSNP rs754293029, ClinGen allele CA9396438.